The following continues an entry in ClinVar:

NM_000152.5(GAA):c.1551+1G>T

Gene: GAA. ClinVar aggregate classification (germline): Pathogenic. Pathogenic (1).

Submissions 9 to 11 of 11:

Women's Health and Genetics/Laboratory Corporation of America, LabCorp
Classification: Pathogenic for Glycogen storage disease, type II. Last evaluated: 2021-04-08. Review status: criteria provided, single submitter. Criteria: LabCorp Variant Classification Summary - May 2015. Collection method: clinical testing. Allele origin: germline. Not counted in ClinVar's aggregate classification.
Comment: Variant summary: GAA c.1551+1G>T is located in a canonical splice-site and is predicted to affect mRNA splicing resulting in a significantly altered protein due to either exon skipping, shortening, or inclusion of intronic material. Several computational tools predict a significant impact on normal splicing: Four predict the variant abolishes a 5 splicing donor site. Bergsma et al, 2014 report that the variant causes in-frame exon 10 skipping and a leaky wild-type splicing (Bergsma_2014). The variant allele was found at a frequency of 8e-06 in 251156 control chromosomes (gnomAD). c.1551+1G>T has been reported in the literature in multiple individuals (both homozygous and compound heterozygous patients) affected with Glycogen Storage Disease, Type 2 (Pompe Disease) (Bergsma_2014, Gupta_2020, Kishnani_2019, Semplicini_2018, Thomas_2021). Several of these patients had juvenile and infantile onset of the disease. These data indicate that the variant is very likely to be associated with disease. Patient homozygous for the variant show reduced alpha-glucosidase activity (Thomas_2021). Two ClinVar submitters (evaluation after 2014) cite the variant as pathogenic/likely pathogenic. Based on the evidence outlined above, the variant was classified as pathogenic.

Broad Center for Mendelian Genomics, Broad Institute of MIT and Harvard
Classification: Likely pathogenic for Glycogen storage disease, type II. Last evaluated: 2020-01-22. Review status: criteria provided, single submitter. Criteria: ACMG Guidelines, 2015. Collection method: curation. Allele origin: germline. Inheritance: Autosomal recessive inheritance. Not counted in ClinVar's aggregate classification.
Comment: The c.1551+1G>T variant in GAA has been reported in five individuals with glycogen storage disease II, segregated with disease in two affected relatives from one family (PMID: 25703594) and has been identified in 0.003% (1/34580) of Latino chromosomes and 0.001% (1/113512) of European (non-Finnish) chromosomes by the Genome Aggregation Database (gnomAD; dbSNP rs770780848). Although this variant has been seen in the general population, its frequency is low enough to be consistent with a recessive carrier frequency. This variant has also been reported in ClinVar as pathogenic by Counsyl (VariationID: 555986). This variant occurs in the invariant region (+/- 1/2) of the splice consensus sequence and is predicted to cause in-frame exon skipping and a leaky splice site leading to an abnormal or absent protein. There is an in-frame cryptic splice site 6 bases from the intron-exon boundary, providing evidence that this variant may add 2 amino acids instead of causing loss of function. However, this information is not predictive enough to determine pathogenicity. Loss of function of the GAA gene is an established disease mechanism in autosomal recessive glycogen storage disease II. The phenotype of individuals that are compound heterozygous for this variant is highly specific for glycogen storage disease II based on GAA enzyme activity in fibroblasts being <10% of wild type, consistent with disease (PMID: 25703594, 25243733). Additionally, the presence of this variation in combination with reported pathogenic variant c.-32-13T>G (VariationID: 4027, PMID: 30155607, 25703594) and likely pathogenic variant p.Asp419Val (PMID: 25243733) and in individuals with glycogen storage disease II increases the likelihood that the c.1551+1G>T variant is pathogenic. In summary, although additional studies are required to fully establish its clinical significance, this variant is likely pathogenic. ACMG/AMP Criteria applied: PVS1_moderate, PM3, PM2, PP4 (Richards 2015).

Counsyl
Classification: Pathogenic for Glycogen storage disease, type II. Last evaluated: 2018-01-05. Review status: no assertion criteria provided. Collection method: clinical testing. Allele origin: unknown. Not counted in ClinVar's aggregate classification.

Literature cited by the submitters: PubMed 35705384 (cited by Genomenon, Inc); PubMed 33301762 (cited by 3 submitters); PubMed 25243733 (cited by 5 submitters); PubMed 25703594 (cited by Genomenon, Inc and Broad Center for Mendelian Genomics, Broad Institute of MIT and Harvard); PubMed 27623443 (cited by Genomenon, Inc); PubMed 31086307 (cited by 3 submitters); PubMed 31342611 (cited by Institute of Medical Genetics and Genomics, Sir Ganga Ram Hospital); PubMed 22252923 (cited by Women's Health and Genetics/Laboratory Corporation of America, LabCorp and Counsyl); PubMed 30155607 (cited by Women's Health and Genetics/Laboratory Corporation of America, LabCorp); PubMed 31606152 (cited by Women's Health and Genetics/Laboratory Corporation of America, LabCorp).